The following is an entry in ClinVar:

ClinVar aggregate classification (germline): Pathogenic (1 of 4 stars; one submission).

Submission:

Labcorp Genetics (formerly Invitae), Labcorp
Classification: Pathogenic. Last evaluated: 2022-07-13. Review status: criteria provided, single submitter. Criteria: Invitae Variant Classification Sherloc (09022015). Collection method: clinical testing. Allele origin: germline.
Comment: This sequence change creates a premature translational stop signal (p.Leu322Phefs*14) in the FECH gene. It is expected to result in an absent or disrupted protein product. Loss-of-function variants in FECH are known to be pathogenic (PMID: 20105171, 23016163, 23364466). This variant is not present in population databases (gnomAD no frequency). This premature translational stop signal has been observed in individual(s) with erythropoietic protoporphyria (PMID: 20105171). For these reasons, this variant has been classified as Pathogenic.

Literature cited by the submitters: PubMed 20105171; PubMed 23016163; PubMed 23364466.

NM_000140.5(FECH):c.963del (p.Leu322fs)

Gene: FECH (ferrochelatase; minus strand). Cytogenetic location: 18q21.31.
Variant type: Deletion.
Coding change: c.963del on transcript NM_000140.5 (MANE Select); coding-DNA position 963, one base deleted (G; older notation c.963delG).
Protein change: p.Leu322fs; shifts the reading frame from leucine 322.
Molecular consequence: frameshift variant.
Genome position (GRCh38, 1-based): chr18:57,554,374, C deleted on the plus strand (G on the coding strand, the reverse complement: FECH is on the minus strand); the first of 3 consecutive C bases (chr18:57,554,374-57,554,376); deleting any one gives the same sequence. VCF-style (leftmost placement, unchanged base first): chr18-57554373-GC-G. GRCh37 (hg19) VCF-style: chr18-55221605-GC-G.
Other names: c.981del, p.Leu328fs (NM_001012515.4); c.864del, p.Leu289fs (NM_001371094.1); c.747del, p.Leu250fs (NM_001371095.1); c.963del, p.Leu322fs (NM_001374778.1); short protein forms L250fs, L328fs, L289fs, L322fs.
Identifiers: ClinVar variation 2138158 (VCV002138158.4), dbSNP rs2511517502, ClinGen allele CA2580095941.